The following is an entry in ClinVar:

NM_001009944.3(PKD1):c.6651del (p.Leu2218fs)

Gene: PKD1 (polycystin 1, transient receptor potential channel interacting; minus strand). Cytogenetic location: 16p13.3.
Variant type: Deletion.
Coding change: c.6651del on transcript NM_001009944.3 (MANE Select); coding-DNA position 6651, one base deleted (G; older notation c.6651delG).
Protein change: p.Leu2218fs; shifts the reading frame from leucine 2218.
Molecular consequence: frameshift variant.
Genome position (GRCh38, 1-based): chr16:2,108,516, C deleted on the plus strand (G on the coding strand, the reverse complement: PKD1 is on the minus strand). VCF-style (leftmost placement, unchanged base first): chr16-2108515-GC-G. GRCh37 (hg19) VCF-style: chr16-2158516-GC-G.
Other names: c.6651delG (NM_001009944.3); c.6651del, p.Leu2218fs (NM_000296.4); short protein forms L2218fs.
Identifiers: ClinVar variation 4853421 (VCV004853421.1).

ClinVar aggregate classification (germline): Pathogenic (1 of 4 stars; one submission).

Conditions:
Polycystic kidney disease, adult type (PKD1). Also called: Polycystic Kidney, Autosomal Dominant; POLYCYSTIC KIDNEY DISEASE, ADULT, TYPE I; Polycystic Kidney Disease 1, Autosomal Dominant; Polycystic kidney disease 1; Polycystic kidney disease 1, severe; POLYCYSTIC KIDNEY DISEASE 1 WITH OR WITHOUT POLYCYSTIC LIVER DISEASE. Identifiers: MedGen C3149841, MONDO:0008263, OMIM 173900.

Submission:

Women's Health and Genetics/Laboratory Corporation of America, LabCorp
Classification: Pathogenic for Polycystic kidney disease, adult type. Last evaluated: 2026-05-08. Review status: criteria provided, single submitter. Criteria: LabCorp Variant Classification Summary - May 2015. Collection method: clinical testing. Allele origin: germline.
Comment: Variant summary: PKD1 c.6651delG (p.Leu2218CysfsX24) results in a premature termination codon, predicted to cause a truncation of the encoded protein or absence of the protein due to nonsense mediated decay, which are commonly known mechanisms for disease. The variant was absent in 238162 control chromosomes. To our knowledge, no occurrence of c.6651delG in individuals affected with PKD1-related conditions and no experimental evidence demonstrating its impact on protein function have been reported. No submitters have cited clinical-significance assessments for this variant to ClinVar. Based on the evidence outlined above, the variant was classified as pathogenic.